The following is an entry in ClinVar:

ClinVar aggregate classification (germline): Likely benign. Review status: criteria provided, single submitter (1 of 4 stars). 2 submissions from 2 submitters: Likely benign (1). 1 of the submissions does not count toward it. Last evaluated 2026-01-26.

Conditions:
LAMA5-related disorder. Also called: LAMA5-related condition; LAMA5-Related Disorders.

Allele frequency attached by ClinVar (database versions not stated): ESP Exome Variant Server 0.00016; 1000 Genomes Project 0.00040; TOPMed 0.00046; 1000 Genomes Project 30x 0.00047.
gnomAD v4.1: 135 of 1,590,164 alleles (0.0085%); highest among the groups gnomAD compares: African/African-American, 0.086%; no homozygotes.

Submissions (2):

Labcorp Genetics (formerly Invitae), Labcorp
Classification: Likely benign. Last evaluated: 2026-01-26. Review status: criteria provided, single submitter. Criteria: Invitae Variant Classification Sherloc (09022015). Collection method: clinical testing. Allele origin: germline.

PreventionGenetics, part of Exact Sciences
Classification: Likely benign for LAMA5-related condition. Last evaluated: 2020-01-07. Review status: no assertion criteria provided. Collection method: clinical testing. Allele origin: germline. Not counted in ClinVar's aggregate classification.
Comment: This variant is classified as likely benign based on ACMG/AMP sequence variant interpretation guidelines (Richards et al. 2015 PMID: 25741868, with internal and published modifications).

NM_005560.6(LAMA5):c.10948+8C>T

Gene: LAMA5 (laminin subunit alpha 5; minus strand). Cytogenetic location: 20q13.33.
Variant type: single nucleotide variant.
Coding change: c.10948+8C>T on transcript NM_005560.6 (MANE Select); 8 bases into the intron after coding-DNA position 10948, C replaced by T.
Molecular consequence: intron variant.
Genome position (GRCh38, 1-based): chr20:62,309,708, G>A on the plus strand (C>T on the coding strand, the complement: LAMA5 is on the minus strand). VCF-style: chr20-62309708-G-A. GRCh37 (hg19) VCF-style: chr20-60884764-G-A.
Identifiers: ClinVar variation 714901 (VCV000714901.10), dbSNP rs368939161, ClinGen allele CA9939527.